The following is an entry in ClinVar:

ClinVar aggregate classification (germline): Uncertain significance (1 of 4 stars; one submission).

Submission:

GeneDx
Classification: Uncertain significance. Last evaluated: 2019-08-27. Review status: criteria provided, single submitter. Criteria: GeneDx Variant Classification Process June 2021. Collection method: clinical testing. Allele origin: germline. Affected: yes.
Comment: Frameshift variant predicted to result in protein truncation or nonsense mediated decay in a gene for which loss-of-function is not a known mechanism of disease; Not observed in large population cohorts (Lek et al., 2016); Has not been previously published as pathogenic or benign to our knowledge; Variants in candidate genes are classified as variants of uncertain significance in accordance with ACMG guidelines (Richards et al., 2015); De novo variant with confirmed parentage

NM_001007553.3(CSDE1):c.243dup (p.Pro82fs)

Gene: CSDE1 (cold shock domain containing E1; minus strand). Cytogenetic location: 1p13.2.
Variant type: Duplication.
Coding change: c.243dup on transcript NM_001007553.3 (MANE Select); coding-DNA position 243, one base duplicated (A; older notation c.243dupA).
Protein change: p.Pro82fs; shifts the reading frame from proline 82.
Molecular consequence: frameshift variant.
Genome position (GRCh38, 1-based): chr1:114,738,029, T duplicated on the plus strand (A on the coding strand, the reverse complement: CSDE1 is on the minus strand); the first of 3 consecutive T bases (chr1:114,738,029-114,738,031); duplicating any one gives the same sequence. VCF-style (leftmost placement, unchanged base first): chr1-114738028-G-GT. GRCh37 (hg19) VCF-style: chr1-115280649-G-GT.
Other names: c.381dup, p.Pro128fs (NM_001130523.3, NM_001242891.2); c.243dup, p.Pro82fs (NM_001242892.2, NM_001242893.2, NM_007158.6); short protein forms P128fs, P82fs.
Identifiers: ClinVar variation 1310110 (VCV001310110.2), dbSNP rs2101052106, ClinGen allele CA2573051345.
Genomic context (GRCh38, chr1:114,738,028, plus strand): 5'-CATTCATTCGTTCTTCAGGGAGGATTTCTTGTTTTATCTTCACCAGTTTAACAGCAATGG[G>GT]TTTCCCAGTCCGTCGGTCCGATGATACTTCAAATTCAACATCATCTAAAAATAAATAATG-3'